The following is an entry in ClinVar:

ClinVar aggregate classification (germline): Likely pathogenic (1 of 4 stars; one submission).

Conditions:
Dyskeratosis congenita, autosomal recessive 5 (DKCB5). Identifiers: MedGen C3554656, MONDO:0014076, OMIM 615190.
Pulmonary fibrosis and/or bone marrow failure, Telomere-related, 3. Also called: PULMONARY FIBROSIS AND/OR BONE MARROW FAILURE SYNDROME, TELOMERE-RELATED, 3. Identifiers: Orphanet 2032, MedGen C4225346, MONDO:0014613, OMIM 616373.

Allele frequency attached by ClinVar (database versions not stated): gnomAD exomes below 0.00001.
gnomAD v4.1: 1 of 1,591,328 alleles (0.000063%); highest among the groups gnomAD compares: South Asian, 0.0011%; no homozygotes.

Submission:

Labcorp Genetics (formerly Invitae), Labcorp
Classification: Likely pathogenic for Dyskeratosis congenita, autosomal recessive 5; Pulmonary fibrosis and/or bone marrow failure, Telomere-related, 3. Last evaluated: 2023-02-10. Review status: criteria provided, single submitter. Criteria: Invitae Variant Classification Sherloc (09022015). Collection method: clinical testing. Allele origin: germline.
Comment: This sequence change affects a donor splice site in intron 31 of the RTEL1 gene. It is expected to disrupt RNA splicing. Variants that disrupt the donor or acceptor splice site typically lead to a loss of protein function (PMID: 16199547), and loss-of-function variants in RTEL1 are known to be pathogenic (PMID: 23453664, 23959892, 25607374). This variant is not present in population databases (gnomAD no frequency). This variant has not been reported in the literature in individuals affected with RTEL1-related conditions. Algorithms developed to predict the effect of sequence changes on RNA splicing suggest that this variant may disrupt the consensus splice site. In summary, the currently available evidence indicates that the variant is pathogenic, but additional data are needed to prove that conclusively. Therefore, this variant has been classified as Likely Pathogenic.

Literature cited by the submitters: PubMed 16199547; PubMed 23453664; PubMed 23959892; PubMed 25607374.

NM_001283009.2(RTEL1):c.3109+2T>C

Genes: RTEL1 (regulator of telomere elongation helicase 1; plus strand), RTEL1-TNFRSF6B (RTEL1-TNFRSF6B readthrough (NMD candidate); plus strand). Cytogenetic location: 20q13.33.
Variant type: single nucleotide variant.
Coding change: c.3109+2T>C on transcript NM_001283009.2 (MANE Select); the canonical splice donor site of the intron after coding-DNA position 3109, T replaced by C.
Molecular consequence: splice donor variant.
Genome position (GRCh38, 1-based): chr20:63,694,490, T>C. VCF-style: chr20-63694490-T-C. GRCh37 (hg19) VCF-style: chr20-62325843-T-C.
Other names: c.3109+2T>C (NM_016434.4); c.2440+2T>C (NM_001283010.1); c.3181+2T>C (NM_032957.5).
Identifiers: ClinVar variation 2930521 (VCV002930521.3), dbSNP rs2517194487, ClinGen allele CA409684742.